The following is an entry in ClinVar:

NM_001145809.2(MYH14):c.1045G>C (p.Glu349Gln)

Gene: MYH14 (myosin heavy chain 14; plus strand). Cytogenetic location: 19q13.33.
Variant type: single nucleotide variant.
Coding change: c.1045G>C on transcript NM_001145809.2 (MANE Select); coding-DNA position 1045, G replaced by C.
Protein change: p.Glu349Gln; replaces glutamic acid 349 with glutamine.
Molecular consequence: missense variant.
Genome position (GRCh38, 1-based): chr19:50,232,001, G>C. VCF-style: chr19-50232001-G-C. GRCh37 (hg19) VCF-style: chr19-50735258-G-C.
Other names: c.1045G>C, p.Glu349Gln (NM_001077186.2); c.1021G>C, p.Glu341Gln (NM_024729.4); short protein forms E341Q, E349Q.
Identifiers: ClinVar variation 3690981 (VCV003690981.2).

ClinVar aggregate classification (germline): Uncertain significance (1 of 4 stars; one submission).

Submission:

Labcorp Genetics (formerly Invitae), Labcorp
Classification: Uncertain significance. Last evaluated: 2024-04-15. Review status: criteria provided, single submitter. Criteria: Invitae Variant Classification Sherloc (09022015). Collection method: clinical testing. Allele origin: germline.
Comment: This sequence change replaces glutamic acid, which is acidic and polar, with glutamine, which is neutral and polar, at codon 341 of the MYH14 protein (p.Glu341Gln). This variant is not present in population databases (gnomAD no frequency). This variant has not been reported in the literature in individuals affected with MYH14-related conditions. Advanced modeling of protein sequence and biophysical properties (such as structural, functional, and spatial information, amino acid conservation, physicochemical variation, residue mobility, and thermodynamic stability) performed at Invitae indicates that this missense variant is expected to disrupt MYH14 protein function with a positive predictive value of 80%. In summary, the available evidence is currently insufficient to determine the role of this variant in disease. Therefore, it has been classified as a Variant of Uncertain Significance.